The following is an entry in ClinVar:

ClinVar aggregate classification (germline): Uncertain significance (1 of 4 stars; one submission).

Conditions:
Hereditary cancer-predisposing syndrome. Also called: Tumor predisposition; Hereditary neoplastic syndrome; Hereditary Cancer Syndrome; Neoplastic Syndromes, Hereditary. Identifiers: Orphanet 140162, MedGen C0027672, MeSH D009386, MONDO:0015356.

Submission:

Ambry Genetics
Classification: Uncertain significance for Hereditary cancer-predisposing syndrome. Last evaluated: 2023-09-29. Review status: criteria provided, single submitter. Criteria: Ambry Variant Classification Scheme 2023. Collection method: clinical testing. Allele origin: germline.
Comment: The c.1680C>T variant (also known as p.G560G), located in coding exon 13 of the BAP1 gene, results from a C to T substitution at nucleotide position 1680. This nucleotide substitution does not change the glycine at codon 560. This nucleotide position is not well conserved in available vertebrate species. In silico splice site analysis predicts that this alteration will result in the creation or strengthening of a novel splice donor site; however, direct evidence is insufficient at this time (Ambry internal data). Since supporting evidence is limited at this time, the clinical significance of this alteration remains unclear.

NM_004656.4(BAP1):c.1680C>T (p.Gly560=)

Gene: BAP1 (BRCA1 associated deubiquitinase 1; minus strand). Cytogenetic location: 3p21.1.
Variant type: single nucleotide variant.
Coding change: c.1680C>T on transcript NM_004656.4 (MANE Select); coding-DNA position 1680, C replaced by T.
Protein change: p.Gly560=; no amino-acid change (glycine 560 retained).
Molecular consequence: synonymous variant.
Genome position (GRCh38, 1-based): chr3:52,403,465, G>A on the plus strand (C>T on the coding strand, the complement: BAP1 is on the minus strand). VCF-style: chr3-52403465-G-A. GRCh37 (hg19) VCF-style: chr3-52437481-G-A.
Other names: c.1626C>T, p.Gly542= (NM_001410772.1).
Identifiers: ClinVar variation 3224437 (VCV003224437.1), dbSNP rs2153226598, ClinGen allele CA433885853.
Genomic context (GRCh38, chr3:52,403,465, plus strand): 5'-CCAAGGCCCACCTGTCAGCGCCAGGGGACTCAGCACCCCATCCTCAGCCAGGTGCAGCAG[G>A]CCTGTGCTGATGACAGGACCCAGATCACGGACAGCACGGTTGTAGCGTATGCAGTCAACA-3'
Protein context (NP_004647.1, residues 550-570): VRDLGPVIST[Gly560=]LLHLAEDGVL